The following is an entry in ClinVar:

ClinVar aggregate classification (germline): Uncertain significance (1 of 4 stars; one submission).

Conditions:
Granulomatous disease, chronic, autosomal recessive, cytochrome b-negative. Also called: GRANULOMATOUS DISEASE, CHRONIC, AUTOSOMAL RECESSIVE, 4; Chronic granulomatous disease, autosomal, due to deficiency of CYBA; CGD DUE TO DEFICIENCY OF THE ALPHA SUBUNIT OF CYTOCHROME b; CGD, AUTOSOMAL RECESSIVE CYTOCHROME b-NEGATIVE; CYBA DEFICIENCY. Identifiers: Orphanet 379, MedGen C1856255, MONDO:0009308, OMIM 233690.

Submission:

Labcorp Genetics (formerly Invitae), Labcorp
Classification: Uncertain significance for Granulomatous disease, chronic, autosomal recessive, cytochrome b-negative. Last evaluated: 2022-07-06. Review status: criteria provided, single submitter. Criteria: Invitae Variant Classification Sherloc (09022015). Collection method: clinical testing. Allele origin: germline.
Comment: This variant is not present in population databases (gnomAD no frequency). In summary, the available evidence is currently insufficient to determine the role of this variant in disease. Therefore, it has been classified as a Variant of Uncertain Significance. Algorithms developed to predict the effect of missense changes on protein structure and function are either unavailable or do not agree on the potential impact of this missense change (SIFT: "Deleterious"; PolyPhen-2: "Probably Damaging"; Align-GVGD: "Class C0"). ClinVar contains an entry for this variant (Variation ID: 1502300). This variant has not been reported in the literature in individuals affected with CYBA-related conditions. This sequence change replaces tyrosine, which is neutral and polar, with asparagine, which is neutral and polar, at codon 41 of the CYBA protein (p.Tyr41Asn).

NM_000101.4(CYBA):c.121T>A (p.Tyr41Asn)

Gene: CYBA (cytochrome b-245 alpha chain; minus strand). Cytogenetic location: 16q24.2.
Variant type: single nucleotide variant.
Coding change: c.121T>A on transcript NM_000101.4 (MANE Select); coding-DNA position 121, T replaced by A.
Protein change: p.Tyr41Asn; replaces tyrosine 41 with asparagine.
Molecular consequence: missense variant.
Genome position (GRCh38, 1-based): chr16:88,648,052, A>T on the plus strand (T>A on the coding strand, the complement: CYBA is on the minus strand). VCF-style: chr16-88648052-A-T. GRCh37 (hg19) VCF-style: chr16-88714460-A-T.
Other names: short protein forms Y41N.
Identifiers: ClinVar variation 1502300 (VCV001502300.6), dbSNP rs768595936, ClinGen allele CA397065876.